The following is an entry in ClinVar:

ClinVar aggregate classification (germline): Pathogenic (1 of 4 stars; one submission).

Conditions:
Immunodeficiency-centromeric instability-facial anomalies syndrome 2 (ICF2). Identifiers: Orphanet 2268, MedGen C3279748, MONDO:0013553, OMIM 614069.

Submission:

Labcorp Genetics (formerly Invitae), Labcorp
Classification: Pathogenic for Immunodeficiency-centromeric instability-facial anomalies syndrome 2. Last evaluated: 2023-06-25. Review status: criteria provided, single submitter. Criteria: Invitae Variant Classification Sherloc (09022015). Collection method: clinical testing. Allele origin: germline.
Comment: For these reasons, this variant has been classified as Pathogenic. This premature translational stop signal has been observed in individual(s) with primary antibody deficiency (PMID: 29921932). This variant is not present in population databases (gnomAD no frequency). This sequence change creates a premature translational stop signal (p.Asp266Argfs*28) in the ZBTB24 gene. It is expected to result in an absent or disrupted protein product. Loss-of-function variants in ZBTB24 are known to be pathogenic (PMID: 21596365).

Literature cited by the submitters: PubMed 29921932; PubMed 21596365.

NM_014797.3(ZBTB24):c.795dup (p.Asp266fs)

Gene: ZBTB24 (zinc finger and BTB domain containing 24; minus strand). Cytogenetic location: 6q21.
Variant type: Duplication.
Coding change: c.795dup on transcript NM_014797.3 (MANE Select); coding-DNA position 795, one base duplicated (A; older notation c.795dupA).
Protein change: p.Asp266fs; shifts the reading frame from aspartic acid 266.
Molecular consequence: frameshift variant.
Genome position (GRCh38, 1-based): chr6:109,481,232, T duplicated on the plus strand (A on the coding strand, the reverse complement: ZBTB24 is on the minus strand); the first of 3 consecutive T bases (chr6:109,481,232-109,481,234); duplicating any one gives the same sequence. VCF-style (leftmost placement, unchanged base first): chr6-109481231-C-CT. GRCh37 (hg19) VCF-style: chr6-109802434-C-CT.
Other names: c.795dup, p.Asp266fs (NM_001164313.2); short protein forms D266fs.
Identifiers: ClinVar variation 2915423 (VCV002915423.3), dbSNP rs2482881066, ClinGen allele CA2695206845.